The following is an entry in ClinVar:

ClinVar aggregate classification (germline): Pathogenic (1 of 4 stars; one submission).

Conditions:
Retinitis pigmentosa 20 (RP20). Identifiers: Orphanet 791, MedGen C3151086, MONDO:0013425, OMIM 613794.
Leber congenital amaurosis 2 (LCA2). Also called: AMAUROSIS CONGENITA OF LEBER II; Autosomal Recessive RPE65-Related Retinal Degeneration. Identifiers: Orphanet 65, MedGen C1859844, MONDO:0008765, OMIM 204100. Disease mechanism: loss of function.

Submission:

Labcorp Genetics (formerly Invitae), Labcorp
Classification: Pathogenic for Leber congenital amaurosis 2; Retinitis pigmentosa 20. Last evaluated: 2024-08-08. Review status: criteria provided, single submitter. Criteria: Invitae Variant Classification Sherloc (09022015). Collection method: clinical testing. Allele origin: germline.
Comment: This sequence change creates a premature translational stop signal (p.Val19Glyfs*32) in the RPE65 gene. It is expected to result in an absent or disrupted protein product. Loss-of-function variants in RPE65 are known to be pathogenic (PMID: 9326941, 9501220, 9843205, 18632300). This variant is not present in population databases (gnomAD no frequency). This variant has not been reported in the literature in individuals affected with RPE65-related conditions. For these reasons, this variant has been classified as Pathogenic.

Literature cited by the submitters: PubMed 9326941; PubMed 9501220; PubMed 9843205; PubMed 18632300.

NM_000329.3(RPE65):c.56_57del (p.Val19fs)

Gene: RPE65 (retinoid isomerohydrolase RPE65; minus strand). Cytogenetic location: 1p31.3.
Variant type: Microsatellite.
Coding change: c.56_57del on transcript NM_000329.3 (MANE Select); coding-DNA positions 56 to 57, 2 bases deleted (TG; older notation c.56_57delTG).
Protein change: p.Val19fs; shifts the reading frame from valine 19.
Molecular consequence: frameshift variant. On other transcripts: 5 prime UTR variant (1), intron variant (1).
Genome position (GRCh38, 1-based): chr1:68,448,661-68,448,662, CA deleted on the plus strand (TG on the coding strand, the reverse complement: RPE65 is on the minus strand); deleting any 2 consecutive bases within chr1:68,448,661-68,448,664 gives the same sequence; the c. name uses the placement nearest the transcript's 3' end. VCF-style (leftmost placement, unchanged base first): chr1-68448660-CCA-C. GRCh37 (hg19) VCF-style: chr1-68914343-CCA-C.
Other names: c.56_57del, p.Val19fs (NM_001406853.1, NM_001406859.1, NM_001406860.1); c.-72TG[1] (NM_001406856.1); c.-183+1233_-183+1234del (NM_001406857.1); short protein forms V19fs.
Identifiers: ClinVar variation 3756855 (VCV003756855.2).